The following is an entry in ClinVar:

NM_001370298.3(FGD4):c.2506A>G (p.Met836Val)

Gene: FGD4 (FYVE, RhoGEF and PH domain containing 4; plus strand). Cytogenetic location: 12p11.21.
Variant type: single nucleotide variant.
Coding change: c.2506A>G on transcript NM_001370298.3 (MANE Select); coding-DNA position 2506, A replaced by G.
Protein change: p.Met836Val; replaces methionine 836 with valine.
Molecular consequence: missense variant.
Genome position (GRCh38, 1-based): chr12:32,640,327, A>G. VCF-style: chr12-32640327-A-G. GRCh37 (hg19) VCF-style: chr12-32793261-A-G.
Other names: p.Met699Val; c.1063A>G, p.Met355Val (NM_001304484.2); c.1816A>G, p.Met606Val (NM_001330373.2, NM_001330374.2, NM_001384130.1); c.2506A>G, p.Met836Val (NM_001384126.1); c.2095A>G, p.Met699Val (NM_001384127.1, NM_001384128.1, NM_001385118.1 and 1 more transcripts); c.1543A>G, p.Met515Val (NM_001370297.1); c.2350A>G, p.Met784Val (NM_001304481.2); short protein forms M355V, M515V, M606V, M699V, M784V, M836V.
Identifiers: ClinVar variation 658814 (VCV000658814.20), dbSNP rs140220443, ClinGen allele CA6507114.
Genomic context (GRCh38, chr12:32,640,327, plus strand): 5'-TTTCTTTAGGACGTCAGAGCCCAGGCCACCATTCCACTTCTGGGCTATGTGGTGGATGAA[A>G]TGCCAAGGAGCGCAGACCTGCCACACAGTTTCAAACTGACCCAGTCTAAGTCCGTGCACA-3'
Protein context (NP_001357227.2, residues 826-846): IPLLGYVVDE[Met836Val]PRSADLPHSF

ClinVar aggregate classification (germline): Conflicting classifications of pathogenicity. Review status: criteria provided, conflicting classifications (1 of 4 stars). 5 submissions from 5 submitters: Uncertain significance (4); Likely benign (1). Last evaluated 2025-04-11.

Conditions:
Charcot-Marie-Tooth disease type 4H (CMT4H). Also called: CHARCOT-MARIE-TOOTH DISEASE, DEMYELINATING, TYPE 4H; CHARCOT-MARIE-TOOTH DISEASE, AUTOSOMAL RECESSIVE, TYPE 4H; CHARCOT-MARIE-TOOTH DISEASE, DEMYELINATING, AUTOSOMAL RECESSIVE, TYPE 4H; CHARCOT-MARIE-TOOTH NEUROPATHY, TYPE 4H. Identifiers: Orphanet 99954, MedGen C1836336, MONDO:0012250, OMIM 609311.
Inborn genetic diseases. Identifiers: MedGen C0950123, MeSH D030342.
Charcot-Marie-Tooth disease. Also called: Charcot-Marie-Tooth Hereditary Neuropathy; Charcot-Marie-Tooth Neuropathy. Identifiers: Orphanet 166, MedGen C0007959, MONDO:0015626.
Charcot-Marie-Tooth disease type 4. Also called: Charcot-Marie-Tooth disease, type IV; Charcot-Marie-Tooth, Type 4. Identifiers: Orphanet 64749, MedGen C4082197, MONDO:0018995.

Allele frequency attached by ClinVar (database versions not stated): gnomAD exomes 0.00007 and 0.00012; ESP Exome Variant Server 0.00008; ExAC 0.00010; TOPMed 0.00012; gnomAD 0.00013.
gnomAD v4.1: 131 of 1,614,188 alleles (0.0081%); highest among the groups gnomAD compares: Middle Eastern, 0.017%; no homozygotes.

Submissions (5):

Mayo Clinic Laboratories, Mayo Clinic
Classification: Likely benign. Last evaluated: 2025-04-11. Review status: criteria provided, single submitter. Criteria: ACMG Guidelines, 2015. Collection method: clinical testing. Allele origin: germline. Observed: 2 variant alleles.
Comment: BS1, BP4_moderate

Labcorp Genetics (formerly Invitae), Labcorp
Classification: Uncertain significance for Charcot-Marie-Tooth disease type 4. Last evaluated: 2025-04-10. Review status: criteria provided, single submitter. Criteria: Invitae Variant Classification Sherloc (09022015). Collection method: clinical testing. Allele origin: germline.
Comment: This sequence change replaces methionine, which is neutral and non-polar, with valine, which is neutral and non-polar, at codon 699 of the FGD4 protein (p.Met699Val). This variant is present in population databases (rs140220443, gnomAD 0.2%). This variant has not been reported in the literature in individuals affected with FGD4-related conditions. ClinVar contains an entry for this variant (Variation ID: 658814). An algorithm developed to predict the effect of missense changes on protein structure and function outputs the following: PolyPhen-2: "Benign". The valine amino acid residue is found in multiple mammalian species, which suggests that this missense change does not adversely affect protein function. In summary, the available evidence is currently insufficient to determine the role of this variant in disease. Therefore, it has been classified as a Variant of Uncertain Significance.

Ambry Genetics
Classification: Uncertain significance for Inborn genetic diseases. Last evaluated: 2020-10-30. Review status: criteria provided, single submitter. Criteria: Ambry Variant Classification Scheme 2023. Collection method: clinical testing. Allele origin: germline.
Comment: The p.M699V variant (also known as c.2095A>G), located in coding exon 15 of the FGD4 gene, results from an A to G substitution at nucleotide position 2095. The methionine at codon 699 is replaced by valine, an amino acid with highly similar properties. This amino acid position is not well conserved in available vertebrate species. In addition, this alteration is predicted to be tolerated by in silico analysis. Since supporting evidence is limited at this time, the clinical significance of this alteration remains unclear.

Illumina Laboratory Services, Illumina
Classification: Uncertain significance for Charcot-Marie-Tooth disease type 4H. Last evaluated: 2017-04-27. Review status: criteria provided, single submitter. Criteria: ICSL Variant Classification Criteria 13 December 2019. Collection method: clinical testing. Allele origin: germline.

Molecular Genetics Laboratory, London Health Sciences Centre
Classification: Uncertain significance for Charcot-Marie-Tooth disease. Review status: criteria provided, single submitter. Criteria: ACMG Guidelines, 2015. Collection method: clinical testing. Allele origin: germline. Affected: yes.